The following is an entry in ClinVar:

NM_001080449.3(DNA2):c.3101A>T (p.Asn1034Ile)

Gene: DNA2 (DNA replication helicase/nuclease 2; minus strand). Cytogenetic location: 10q21.3.
Variant type: single nucleotide variant.
Coding change: c.3101A>T on transcript NM_001080449.3 (MANE Select); coding-DNA position 3101, A replaced by T.
Protein change: p.Asn1034Ile; replaces asparagine 1034 with isoleucine.
Molecular consequence: missense variant. On other transcripts: non-coding transcript variant (1).
Genome position (GRCh38, 1-based): chr10:68,416,722, T>A on the plus strand (A>T on the coding strand, the complement: DNA2 is on the minus strand). VCF-style: chr10-68416722-T-A. GRCh37 (hg19) VCF-style: chr10-70176479-T-A.
Other names: short protein forms N1034I.
Identifiers: ClinVar variation 3651803 (VCV003651803.2).

ClinVar aggregate classification (germline): Uncertain significance (1 of 4 stars; one submission).

gnomAD v4.1: 2 of 1,613,466 alleles (0.00012%); highest among the groups gnomAD compares: Admixed American, 0.0033%; no homozygotes.

Submission:

Labcorp Genetics (formerly Invitae), Labcorp
Classification: Uncertain significance. Last evaluated: 2024-07-29. Review status: criteria provided, single submitter. Criteria: Invitae Variant Classification Sherloc (09022015). Collection method: clinical testing. Allele origin: germline.
Comment: This sequence change replaces asparagine, which is neutral and polar, with isoleucine, which is neutral and non-polar, at codon 1034 of the DNA2 protein (p.Asn1034Ile). The frequency data for this variant in the population databases is considered unreliable, as metrics indicate poor data quality at this position in the gnomAD database. This variant has not been reported in the literature in individuals affected with DNA2-related conditions. Advanced modeling of protein sequence and biophysical properties (such as structural, functional, and spatial information, amino acid conservation, physicochemical variation, residue mobility, and thermodynamic stability) performed at Invitae indicates that this missense variant is not expected to disrupt DNA2 protein function with a negative predictive value of 80%. In summary, the available evidence is currently insufficient to determine the role of this variant in disease. Therefore, it has been classified as a Variant of Uncertain Significance.